The following is an entry in ClinVar:

NM_001393769.1(MED12L):c.2518-3C>A

Genes: MED12L (mediator complex subunit 12L; plus strand), P2RY12 (purinergic receptor P2Y12; minus strand). Cytogenetic location: 3q25.1.
Variant type: single nucleotide variant.
Coding change: c.2518-3C>A on transcript NM_001393769.1 (MANE Select); 3 bases into the intron before coding-DNA position 2518, C replaced by A.
Molecular consequence: intron variant.
Genome position (GRCh38, 1-based): chr3:151,355,893, C>A. VCF-style: chr3-151355893-C-A. GRCh37 (hg19) VCF-style: chr3-151073681-C-A.
Other names: NC_000003.11:g.151073681C>A; c.2413-3C>A (NM_053002.6); c.-179-15133G>T (NM_022788.5).
Identifiers: ClinVar variation 3042860 (VCV003042860.4), dbSNP rs186287395, ClinGen allele CA2668031.

ClinVar aggregate classification (germline): Likely benign. Review status: criteria provided, single submitter (1 of 4 stars). 2 submissions from 2 submitters: Likely benign (1). 1 of the submissions does not count toward it. Last evaluated 2026-08-01.

Conditions:
MED12L-related disorder. Also called: MED12L-related condition.

Allele frequency attached by ClinVar (database versions not stated): 1000 Genomes Project 0.00060; 1000 Genomes Project 30x 0.00078; ExAC 0.00102; ESP Exome Variant Server 0.00123; gnomAD 0.00123; TOPMed 0.00145; gnomAD exomes 0.00216.
gnomAD v4.1: 3,278 of 1,602,556 alleles (0.2%); highest among the groups gnomAD compares: Non-Finnish European, 0.26%; 5 homozygotes.

Submissions (3):

CeGaT Center for Human Genetics Tuebingen
Classification: Likely benign. Last evaluated: 2026-08-01. Review status: criteria provided, single submitter. Criteria: CeGaT Center For Human Genetics Tuebingen Variant Classification Criteria Version 2. Collection method: clinical testing. Allele origin: germline. Affected: yes. Observed: 1 variant allele.
Comment: MED12L: BP4, BS1

PreventionGenetics, part of Exact Sciences
Classification: Likely benign for MED12L-related condition. Last evaluated: 2021-03-31. Review status: no assertion criteria provided. Collection method: clinical testing. Allele origin: germline. Not counted in ClinVar's aggregate classification.
Comment: This variant is classified as likely benign based on ACMG/AMP sequence variant interpretation guidelines (Richards et al. 2015 PMID: 25741868, with internal and published modifications).

Dr. Peter K. Rogan Lab, Western University
No classification provided (evidence only). Condition: Acute myeloid leukemia. Review status: no classification provided. Collection method: in vitro. Allele origin: not applicable. Functional consequence: retained intron. Not counted in ClinVar's aggregate classification.